The following is an entry in ClinVar:

ClinVar aggregate classification (germline): Likely benign (0 of 4 stars; one submission).

Conditions:
DCDC1-related disorder. Also called: DCDC1-related condition.

Allele frequency attached by ClinVar (database versions not stated): gnomAD exomes 0.00002; gnomAD 0.00003; ExAC 0.00004; TOPMed 0.00005.
gnomAD v4.1: 39 of 1,596,408 alleles (0.0024%); highest among the groups gnomAD compares: Non-Finnish European, 0.0031%; no homozygotes.

Submission:

PreventionGenetics, part of Exact Sciences
Classification: Likely benign for DCDC1-related condition. Last evaluated: 2019-07-16. Review status: no assertion criteria provided. Collection method: clinical testing. Allele origin: germline.
Comment: This variant is classified as likely benign based on ACMG/AMP sequence variant interpretation guidelines (Richards et al. 2015 PMID: 25741868, with internal and published modifications).

NM_001387274.1(DCDC1):c.164+3A>G

Gene: DCDC1 (doublecortin domain containing 1; minus strand). Cytogenetic location: 11p13.
Variant type: single nucleotide variant.
Coding change: c.164+3A>G on transcript NM_001387274.1 (MANE Select); 3 bases into the intron after coding-DNA position 164, A replaced by G.
Molecular consequence: intron variant.
Genome position (GRCh38, 1-based): chr11:31,328,114, T>C on the plus strand (A>G on the coding strand, the complement: DCDC1 is on the minus strand). VCF-style: chr11-31328114-T-C. GRCh37 (hg19) VCF-style: chr11-31349661-T-C.
Other names: c.164+3A>G (NM_001367979.1, NM_181807.4).
Identifiers: ClinVar variation 3050634 (VCV003050634.2), dbSNP rs778022600, ClinGen allele CA5932723.